The following is an entry in ClinVar:

NM_182706.5(SCRIB):c.1263A>G (p.Pro421=)

Gene: SCRIB (scribble planar cell polarity protein; minus strand). Cytogenetic location: 8q24.3.
Variant type: single nucleotide variant.
Coding change: c.1263A>G on transcript NM_182706.5 (MANE Select); coding-DNA position 1263, A replaced by G.
Protein change: p.Pro421=; no amino-acid change (proline 421 retained).
Molecular consequence: synonymous variant.
Genome position (GRCh38, 1-based): chr8:143,810,916, T>C on the plus strand (A>G on the coding strand, the complement: SCRIB is on the minus strand). VCF-style: chr8-143810916-T-C. GRCh37 (hg19) VCF-style: chr8-144893086-T-C.
Other names: c.1263A>G, p.Pro421= (NM_015356.5).
Identifiers: ClinVar variation 3040226 (VCV003040226.2), dbSNP rs1337191802, ClinGen allele CA848803479.

ClinVar aggregate classification (germline): Likely benign (0 of 4 stars; one submission).

Conditions:
SCRIB-related disorder. Also called: SCRIB-related condition.

Allele frequency attached by ClinVar (database versions not stated): TOPMed below 0.00001.

Submission:

PreventionGenetics, part of Exact Sciences
Classification: Likely benign for SCRIB-related condition. Last evaluated: 2019-09-19. Review status: no assertion criteria provided. Collection method: clinical testing. Allele origin: germline.
Comment: This variant is classified as likely benign based on ACMG/AMP sequence variant interpretation guidelines (Richards et al. 2015 PMID: 25741868, with internal and published modifications).